The following is an entry in ClinVar:

ClinVar aggregate classification (germline): Uncertain significance (1 of 4 stars; one submission).

Conditions:
Hypertrophic cardiomyopathy 11. Also called: ACTC1-Related Familial Hypertrophic Cardiomyopathy. Identifiers: MedGen C2677506, MONDO:0012799, OMIM 612098.
Dilated cardiomyopathy 1R (CMD1R). Identifiers: Orphanet 154, Orphanet 54260, MedGen C3150681, MONDO:0013261, OMIM 613424.
Atrial septal defect 5 (ASD5). Identifiers: Orphanet 1478, MedGen C2748552, MONDO:0013011, OMIM 612794.

Submission:

Labcorp Genetics (formerly Invitae), Labcorp
Classification: Uncertain significance for Dilated cardiomyopathy 1R; Hypertrophic cardiomyopathy 11; Atrial septal defect 5. Last evaluated: 2025-03-26. Review status: criteria provided, single submitter. Criteria: Invitae Variant Classification Sherloc (09022015). Collection method: clinical testing. Allele origin: germline.
Comment: This sequence change creates a premature translational stop signal (p.Tyr296*) in the ACTC1 gene. It is expected to result in an absent or disrupted protein product. However, the current clinical and genetic evidence is not sufficient to establish whether loss-of-function variants in ACTC1 cause disease. This variant is not present in population databases (gnomAD no frequency). This variant has not been reported in the literature in individuals affected with ACTC1-related conditions. In summary, the available evidence is currently insufficient to determine the role of this variant in disease. Therefore, it has been classified as a Variant of Uncertain Significance.

NM_005159.5(ACTC1):c.888T>G (p.Tyr296Ter)

Genes: ACTC1 (actin alpha cardiac muscle 1; minus strand), GJD2-DT (GJD2 divergent transcript; plus strand). Cytogenetic location: 15q14.
Variant type: single nucleotide variant.
Coding change: c.888T>G on transcript NM_005159.5 (MANE Select); coding-DNA position 888, T replaced by G.
Protein change: p.Tyr296Ter; replaces tyrosine 296 with a stop codon.
Molecular consequence: nonsense.
Genome position (GRCh38, 1-based): chr15:34,791,216, A>C on the plus strand (T>G on the coding strand, the complement: ACTC1 is on the minus strand). VCF-style: chr15-34791216-A-C. GRCh37 (hg19) VCF-style: chr15-35083417-A-C.
Other names: c.888T>G, p.Tyr296Ter (NM_001406482.1, NM_001406483.1); c.753T>G, p.Tyr251Ter (NM_001406484.1); c.447T>G, p.Tyr149Ter (NM_001406485.1); short protein forms Y149*, Y251*, Y296*.
Identifiers: ClinVar variation 3763404 (VCV003763404.2).